The following is an entry in ClinVar:

NM_013386.5(SLC25A24):c.167G>C (p.Gly56Ala)

Gene: SLC25A24 (solute carrier family 25 member 24; minus strand). Cytogenetic location: 1p13.3.
Variant type: single nucleotide variant.
Coding change: c.167G>C on transcript NM_013386.5 (MANE Select); coding-DNA position 167, G replaced by C.
Protein change: p.Gly56Ala; replaces glycine 56 with alanine.
Molecular consequence: missense variant.
Genome position (GRCh38, 1-based): chr1:108,199,972, C>G on the plus strand (G>C on the coding strand, the complement: SLC25A24 is on the minus strand). VCF-style: chr1-108199972-C-G. GRCh37 (hg19) VCF-style: chr1-108742594-C-G.
Other names: short protein forms G56A.
Identifiers: ClinVar variation 4985398 (VCV004985398.1).

ClinVar aggregate classification (germline): Uncertain significance (1 of 4 stars; one submission).

Conditions:
SLC25A24-related disorder. Also called: SLC25A24-related condition.

Submission:

PreventionGenetics, part of Exact Sciences
Classification: Uncertain significance for SLC25A24-related condition. Last evaluated: 2025-10-14. Review status: criteria provided, single submitter. Criteria: ACMG Guidelines, 2015. Collection method: clinical testing. Allele origin: germline.
Comment: The SLC25A24 c.167G>C variant is predicted to result in the amino acid substitution p.Gly56Ala. To our knowledge, this variant has not been reported in the literature or in a large population database (gnomAD), indicating this variant is rare. At this time, the clinical significance of this variant is uncertain due to the absence of conclusive functional and genetic evidence.